The following is an entry in ClinVar:

NM_016042.4(EXOSC3):c.377G>C (p.Gly126Ala)

Gene: EXOSC3 (exosome component 3; minus strand). Cytogenetic location: 9p13.2.
Variant type: single nucleotide variant.
Coding change: c.377G>C on transcript NM_016042.4 (MANE Select); coding-DNA position 377, G replaced by C.
Protein change: p.Gly126Ala; replaces glycine 126 with alanine.
Molecular consequence: missense variant.
Genome position (GRCh38, 1-based): chr9:37,784,011, C>G on the plus strand (G>C on the coding strand, the complement: EXOSC3 is on the minus strand). VCF-style: chr9-37784011-C-G. GRCh37 (hg19) VCF-style: chr9-37784008-C-G.
Other names: c.377G>C, p.Gly126Ala (NM_001002269.2); short protein forms G126A.
Identifiers: ClinVar variation 1958338 (VCV001958338.2), dbSNP rs1354190393, ClinGen allele CA373475479.
Genomic context (GRCh38, chr9:37,784,011, plus strand): 5'-AATGACAAGTAAGACAAAGAAGCTGGCTCACTCCCTCCAACATCAACTTTGAATATATCT[C>G]CAGATTTAGCTGTCACTATGCCAATCACATGGTCTCCTTTTACTGGAACATACTACAAAA-3'
Protein context (NP_057126.2, residues 116-136): HVIGIVTAKS[Gly126Ala]DIFKVDVGGS

ClinVar aggregate classification (germline): Uncertain significance (1 of 4 stars; one submission).

Conditions:
Pontocerebellar hypoplasia type 1B. Also called: EXOSC3 Pontocerebellar Hypoplasia. Identifiers: Orphanet 2254, MedGen C3553449, MONDO:0013853, OMIM 614678.

gnomAD v4.1: 4 of 1,613,980 alleles (0.00025%); highest among the groups gnomAD compares: Admixed American, 0.0033%; no homozygotes.

Submission:

Labcorp Genetics (formerly Invitae), Labcorp
Classification: Uncertain significance for Pontocerebellar hypoplasia type 1B. Last evaluated: 2022-06-14. Review status: criteria provided, single submitter. Criteria: Invitae Variant Classification Sherloc (09022015). Collection method: clinical testing. Allele origin: germline.
Comment: This sequence change replaces glycine, which is neutral and non-polar, with alanine, which is neutral and non-polar, at codon 126 of the EXOSC3 protein (p.Gly126Ala). This variant is present in population databases (no rsID available, gnomAD 0.003%). This variant has not been reported in the literature in individuals affected with EXOSC3-related conditions. Algorithms developed to predict the effect of missense changes on protein structure and function are either unavailable or do not agree on the potential impact of this missense change (SIFT: "Tolerated"; PolyPhen-2: "Probably Damaging"; Align-GVGD: "Class C0"). In summary, the available evidence is currently insufficient to determine the role of this variant in disease. Therefore, it has been classified as a Variant of Uncertain Significance.